The following is an entry in ClinVar:

NM_004364.5(CEBPA):c.109G>A (p.Ala37Thr)

Gene: CEBPA (CCAAT enhancer binding protein alpha; minus strand). Cytogenetic location: 19q13.11.
Variant type: single nucleotide variant.
Coding change: c.109G>A on transcript NM_004364.5 (MANE Select); coding-DNA position 109, G replaced by A.
Protein change: p.Ala37Thr; replaces alanine 37 with threonine.
Molecular consequence: missense variant. On other transcripts: 5 prime UTR variant (1).
Genome position (GRCh38, 1-based): chr19:33,302,306, C>T on the plus strand (G>A on the coding strand, the complement: CEBPA is on the minus strand). VCF-style: chr19-33302306-C-T. GRCh37 (hg19) VCF-style: chr19-33793212-C-T.
Other names: c.-249G>A (NM_001285829.2); c.214G>A, p.Ala72Thr (NM_001287424.2); c.67G>A, p.Ala23Thr (NM_001287435.2); c.109G>A (NM_004364.3); short protein forms A23T, A72T, A37T.
Identifiers: ClinVar variation 658324 (VCV000658324.10), dbSNP rs1404014711, ClinGen allele CA405275656.
Genomic context (GRCh38, chr19:33,302,306, plus strand): 5'-CGCAGATGCCGCCCAGCGGCTCCGGGGCGGCAGGTGGGGCGGGAGGCTGCGCGGGGCCCG[C>T]GCCCCGGGGAAAGCCGAAGGCGGCGCTGCTGGGCGCGTGCGGGGGGCTCTGCAGGTGGCT-3'
Protein context (NP_004355.2, residues 27-47): SSAAFGFPRG[Ala37Thr]GPAQPPAPPA

ClinVar aggregate classification (germline): Uncertain significance. Review status: criteria provided, multiple submitters, no conflicts (2 of 4 stars). 2 submissions from 2 submitters: Uncertain significance (2). Last evaluated 2026-06-12.

Conditions:
Inborn genetic diseases. Identifiers: MedGen C0950123, MeSH D030342.
Acute myeloid leukemia (AML). Also called: Acute myeloid leukemia, adult; AML adult; Acute non-lymphocytic leukemia; Acute granulocytic leukemia; Leukemia, acute myeloid, somatic; Leukemia, acute myelogenous, somatic. Identifiers: Orphanet 519, MedGen C0023467, MeSH D015470, MONDO:0018874, OMIM 601626, HP:0004808. Disease mechanism: Constitutively activated FLT3.

Allele frequency attached by ClinVar (database versions not stated): gnomAD exomes below 0.00001; TOPMed below 0.00001.

Submissions (2):

Ambry Genetics
Classification: Uncertain significance for Inborn genetic diseases. Last evaluated: 2026-06-12. Review status: criteria provided, single submitter. Criteria: Ambry Variant Classification Scheme 2023. Collection method: clinical testing. Allele origin: germline.
Comment: The p.A37T variant (also known as c.109G>A), located in coding exon 1 of the CEBPA gene, results from a G to A substitution at nucleotide position 109. The alanine at codon 37 is replaced by threonine, an amino acid with similar properties. This amino acid position is conserved. In addition, this alteration is predicted to be tolerated by in silico analysis. Based on the available evidence, the clinical significance of this variant remains unclear.

Labcorp Genetics (formerly Invitae), Labcorp
Classification: Uncertain significance for Acute myeloid leukemia. Last evaluated: 2022-11-01. Review status: criteria provided, single submitter. Criteria: Invitae Variant Classification Sherloc (09022015). Collection method: clinical testing. Allele origin: germline.
Comment: Algorithms developed to predict the effect of missense changes on protein structure and function (SIFT, PolyPhen-2, Align-GVGD) all suggest that this variant is likely to be tolerated. ClinVar contains an entry for this variant (Variation ID: 658324). This variant has not been reported in the literature in individuals affected with CEBPA-related conditions. This variant is not present in population databases (gnomAD no frequency). This sequence change replaces alanine, which is neutral and non-polar, with threonine, which is neutral and polar, at codon 37 of the CEBPA protein (p.Ala37Thr). In summary, the available evidence is currently insufficient to determine the role of this variant in disease. Therefore, it has been classified as a Variant of Uncertain Significance.